The following is an entry in ClinVar:

ClinVar aggregate classification (germline): Uncertain significance. Review status: criteria provided, multiple submitters, no conflicts (2 of 4 stars). 3 submissions from 3 submitters: Uncertain significance (3). Last evaluated 2025-09-11.

Conditions:
Inborn genetic diseases. Identifiers: MedGen C0950123, MeSH D030342.
Immunodeficiency 28 (IMD28). Also called: IFNGR2 DEFICIENCY. Identifiers: Orphanet 319547, Orphanet 319574, MedGen C4013947, MONDO:0013953, OMIM 614889.

Allele frequency attached by ClinVar (database versions not stated): gnomAD exomes 0.00001 and 0.00007; gnomAD 0.00003; TOPMed 0.00003; ExAC 0.00006.
gnomAD v4.1: 24 of 1,613,588 alleles (0.0015%); highest among the groups gnomAD compares: Admixed American, 0.04%; no homozygotes.

Submissions (3):

Ambry Genetics
Classification: Uncertain significance for Inborn genetic diseases. Last evaluated: 2025-09-11. Review status: criteria provided, single submitter. Criteria: Ambry Variant Classification Scheme 2023. Collection method: clinical testing. Allele origin: germline.

Labcorp Genetics (formerly Invitae), Labcorp
Classification: Uncertain significance for Immunodeficiency 28. Last evaluated: 2024-02-17. Review status: criteria provided, single submitter. Criteria: Invitae Variant Classification Sherloc (09022015). Collection method: clinical testing. Allele origin: germline.
Comment: This sequence change replaces isoleucine, which is neutral and non-polar, with valine, which is neutral and non-polar, at codon 146 of the IFNGR2 protein (p.Ile146Val). This variant is present in population databases (rs776581325, gnomAD 0.05%). This variant has not been reported in the literature in individuals affected with IFNGR2-related conditions. ClinVar contains an entry for this variant (Variation ID: 928893). Advanced modeling of protein sequence and biophysical properties (such as structural, functional, and spatial information, amino acid conservation, physicochemical variation, residue mobility, and thermodynamic stability) performed at Invitae indicates that this missense variant is not expected to disrupt IFNGR2 protein function with a negative predictive value of 80%. In summary, the available evidence is currently insufficient to determine the role of this variant in disease. Therefore, it has been classified as a Variant of Uncertain Significance.

Women's Health and Genetics/Laboratory Corporation of America, LabCorp
Classification: Uncertain significance. Last evaluated: 2019-01-18. Review status: criteria provided, single submitter. Criteria: LabCorp Variant Classification Summary - May 2015. Collection method: clinical testing. Allele origin: germline.
Comment: Variant summary: IFNGR2 c.436A>G (p.Ile146Val) results in a conservative amino acid change located in the Fibronectin type III domain & Interferon/interleukin receptor domain of the encoded protein sequence. Five of five in-silico tools predict a benign effect of the variant on protein function. The variant allele was found at a frequency of 7.3e-05 in 246128 control chromosomes, predominantly at a frequency of 0.00054 within the Latino subpopulation in the gnomAD database. This frequency is not significantly higher than expected for a pathogenic variant in IFNGR2 causing Interferon Gamma Receptor Deficiency (7.3e-05 vs 0.0011), allowing no conclusion about variant significance. To our knowledge, no occurrence of c.436A>G in individuals affected with Interferon Gamma Receptor Deficiency and no experimental evidence demonstrating its impact on protein function have been reported. No clinical diagnostic laboratories have submitted clinical-significance assessments for this variant to ClinVar after 2014. Based on the evidence outlined above, the variant was classified as uncertain significance.

NM_005534.4(IFNGR2):c.436A>G (p.Ile146Val)

Gene: IFNGR2 (interferon gamma receptor 2; plus strand). Cytogenetic location: 21q22.11.
Variant type: single nucleotide variant.
Coding change: c.436A>G on transcript NM_005534.4 (MANE Select); coding-DNA position 436, A replaced by G.
Protein change: p.Ile146Val; replaces isoleucine 146 with valine.
Molecular consequence: missense variant.
Genome position (GRCh38, 1-based): chr21:33,426,907, A>G. VCF-style: chr21-33426907-A-G. GRCh37 (hg19) VCF-style: chr21-34799214-A-G.
Other names: c.493A>G, p.Ile165Val (NM_001329128.2); short protein forms I146V, I165V.
Identifiers: ClinVar variation 928893 (VCV000928893.6), dbSNP rs776581325, ClinGen allele CA10006941.